The following is an entry in ClinVar:

ClinVar aggregate classification (germline): Uncertain significance (1 of 4 stars; one submission).

Submission:

Labcorp Genetics (formerly Invitae), Labcorp
Classification: Uncertain significance. Last evaluated: 2022-07-14. Review status: criteria provided, single submitter. Criteria: Invitae Variant Classification Sherloc (09022015). Collection method: clinical testing. Allele origin: germline.
Comment: This sequence change replaces phenylalanine, which is neutral and non-polar, with isoleucine, which is neutral and non-polar, at codon 222 of the CPLANE1 protein (p.Phe222Ile). This variant is not present in population databases (gnomAD no frequency). This variant has not been reported in the literature in individuals affected with CPLANE1-related conditions. Advanced modeling of protein sequence and biophysical properties (such as structural, functional, and spatial information, amino acid conservation, physicochemical variation, residue mobility, and thermodynamic stability) performed at Invitae indicates that this missense variant is not expected to disrupt CPLANE1 protein function. In summary, the available evidence is currently insufficient to determine the role of this variant in disease. Therefore, it has been classified as a Variant of Uncertain Significance.

NM_001384732.1(CPLANE1):c.664T>A (p.Phe222Ile)

Gene: CPLANE1 (ciliogenesis and planar polarity effector complex subunit 1; minus strand). Cytogenetic location: 5p13.2.
Variant type: single nucleotide variant.
Coding change: c.664T>A on transcript NM_001384732.1 (MANE Select); coding-DNA position 664, T replaced by A.
Protein change: p.Phe222Ile; replaces phenylalanine 222 with isoleucine.
Molecular consequence: missense variant.
Genome position (GRCh38, 1-based): chr5:37,243,026, A>T on the plus strand (T>A on the coding strand, the complement: CPLANE1 is on the minus strand). VCF-style: chr5-37243026-A-T. GRCh37 (hg19) VCF-style: chr5-37243128-A-T.
Other names: c.664T>A, p.Phe222Ile (NM_023073.4); short protein forms F222I.
Identifiers: ClinVar variation 1983028 (VCV001983028.1), dbSNP rs1011229827, ClinGen allele CA117068052.
Genomic context (GRCh38, chr5:37,243,026, plus strand): 5'-AGAAAAAAAAATCAGTAAGAAAAGGAAGAAGAAAACATTTACCTCACCTTACAGATGTAA[A>T]TACATTCTCATGCCACCGAATTGCTAGAAATGTTAACTTCAGGCATTCCCCAGAATAAAA-3'
Protein context (NP_001371661.1, residues 212-232): FLAIRWHENV[Phe222Ile]TSVRSLPYHV